The following is an entry in ClinVar:

NM_015102.5(NPHP4):c.2246T>C (p.Ile749Thr)

Gene: NPHP4 (nephrocystin 4; minus strand). Cytogenetic location: 1p36.31.
Variant type: single nucleotide variant.
Coding change: c.2246T>C on transcript NM_015102.5 (MANE Select); coding-DNA position 2246, T replaced by C.
Protein change: p.Ile749Thr; replaces isoleucine 749 with threonine.
Molecular consequence: missense variant. On other transcripts: non-coding transcript variant (1).
Genome position (GRCh38, 1-based): chr1:5,890,926, A>G on the plus strand (T>C on the coding strand, the complement: NPHP4 is on the minus strand). VCF-style: chr1-5890926-A-G. GRCh37 (hg19) VCF-style: chr1-5950986-A-G.
Other names: c.707T>C, p.Ile236Thr (NM_001291593.2); c.710T>C, p.Ile237Thr (NM_001291594.2); short protein forms I749T, I237T, I236T.
Identifiers: ClinVar variation 297809 (VCV000297809.18), dbSNP rs372250881, ClinGen allele CA554228.

ClinVar aggregate classification (germline): Uncertain significance. Review status: criteria provided, multiple submitters, no conflicts (2 of 4 stars). 5 submissions from 4 submitters: Uncertain significance (5). Last evaluated 2026-01-19.

Conditions:
Nephronophthisis. Also called: Juvenile Nephronophthisis. Identifiers: Orphanet 655, MedGen C0687120, MONDO:0019005, HP:0000090.
Senior-Loken syndrome 4 (SLSN4). Identifiers: Orphanet 3156, MedGen C1846979, MONDO:0011756, OMIM 606996.
Nephronophthisis 4 (NPHP4). Also called: NEPHRONOPHTHISIS 4, JUVENILE. Identifiers: Orphanet 655, MedGen C1847013, MONDO:0011752, OMIM 606966.

Allele frequency attached by ClinVar (database versions not stated): gnomAD exomes 0.00001 and 0.00002; ExAC 0.00002; gnomAD 0.00002 and 0.00003; TOPMed 0.00003; ESP Exome Variant Server 0.00008.
gnomAD v4.1: 22 of 1,610,228 alleles (0.0014%); highest among the groups gnomAD compares: Middle Eastern, 0.016%; no homozygotes.

Submissions (5):

Labcorp Genetics (formerly Invitae), Labcorp
Classification: Uncertain significance for Nephronophthisis. Last evaluated: 2026-01-19. Review status: criteria provided, single submitter. Criteria: Invitae Variant Classification Sherloc (09022015). Collection method: clinical testing. Allele origin: germline.
Comment: This sequence change replaces isoleucine, which is neutral and non-polar, with threonine, which is neutral and polar, at codon 749 of the NPHP4 protein (p.Ile749Thr). This variant is present in population databases (rs372250881, gnomAD 0.004%). This variant has not been reported in the literature in individuals affected with NPHP4-related conditions. ClinVar contains an entry for this variant (Variation ID: 297809). Invitae Evidence Modeling of protein sequence and biophysical properties (such as structural, functional, and spatial information, amino acid conservation, physicochemical variation, residue mobility, and thermodynamic stability) indicates that this missense variant is expected to disrupt NPHP4 protein function with a positive predictive value of 80%. In summary, the available evidence is currently insufficient to determine the role of this variant in disease. Therefore, it has been classified as a Variant of Uncertain Significance.

Blueprint Genetics
Classification: Uncertain significance. Last evaluated: 2023-09-07. Review status: criteria provided, single submitter. Criteria: ACMG Guidelines, 2015. Collection method: clinical testing. Allele origin: germline.

Eurofins Ntd Llc (ga)
Classification: Uncertain significance. Last evaluated: 2018-07-19. Review status: criteria provided, single submitter. Criteria: EGL ClinVar v180209 classification definitions. Collection method: clinical testing. Allele origin: germline. Observed: 2 variant alleles, 2 heterozygotes.

Illumina Laboratory Services, Illumina
Classification: Uncertain significance for Senior-Loken syndrome 4. Last evaluated: 2018-01-13. Review status: criteria provided, single submitter. Criteria: ICSL Variant Classification Criteria 13 December 2019. Collection method: clinical testing. Allele origin: germline.

Illumina Laboratory Services, Illumina
Classification: Uncertain significance for Nephronophthisis 4. Last evaluated: 2018-01-13. Review status: criteria provided, single submitter. Criteria: ICSL Variant Classification Criteria 13 December 2019. Collection method: clinical testing. Allele origin: germline.